The following is an entry in ClinVar:

NM_052947.4(ALPK2):c.2601A>T (p.Gln867His)

Gene: ALPK2 (alpha kinase 2; minus strand). Cytogenetic location: 18q21.31.
Variant type: single nucleotide variant.
Coding change: c.2601A>T on transcript NM_052947.4 (MANE Select); coding-DNA position 2601, A replaced by T.
Protein change: p.Gln867His; replaces glutamine 867 with histidine.
Molecular consequence: missense variant.
Genome position (GRCh38, 1-based): chr18:58,537,586, T>A on the plus strand (A>T on the coding strand, the complement: ALPK2 is on the minus strand). VCF-style: chr18-58537586-T-A. GRCh37 (hg19) VCF-style: chr18-56204818-T-A.
Other names: short protein forms Q867H.
Identifiers: ClinVar variation 1793681 (VCV001793681.3), dbSNP rs2518877465, ClinGen allele CA402570179.

ClinVar aggregate classification (germline): Uncertain significance (1 of 4 stars; one submission).

Submission:

Ambry Genetics
Classification: Uncertain significance. Last evaluated: 2023-07-18. Review status: criteria provided, single submitter. Criteria: Ambry Variant Classification Scheme 2023. Collection method: clinical testing. Allele origin: germline.
Comment: The p.Q867H variant (also known as c.2601A>T), located in coding exon 4 of the ALPK2 gene, results from an A to T substitution at nucleotide position 2601. The glutamine at codon 867 is replaced by histidine, an amino acid with highly similar properties. This amino acid position is conserved. In addition, this alteration is predicted to be tolerated by in silico analysis. Since supporting evidence is limited at this time, the clinical significance of this alteration remains unclear.